The following is an entry in ClinVar:

NM_147127.5(EVC2):c.1463del (p.Gly488fs)

Genes: EVC2 (EvC ciliary complex subunit 2; minus strand), LOC126806961 (BRD4-independent group 4 enhancer GRCh37_chr4:5641443-5642642; plus strand). Cytogenetic location: 4p16.2.
Variant type: Deletion.
Coding change: c.1463del on transcript NM_147127.5 (MANE Select); coding-DNA position 1463, one base deleted (G; older notation c.1463delG).
Protein change: p.Gly488fs; shifts the reading frame from glycine 488.
Molecular consequence: frameshift variant.
Genome position (GRCh38, 1-based): chr4:5,640,521, C deleted on the plus strand (G on the coding strand, the reverse complement: EVC2 is on the minus strand); the first of 2 consecutive C bases (chr4:5,640,521-5,640,522); deleting either gives the same sequence. VCF-style (leftmost placement, unchanged base first): chr4-5640520-AC-A. GRCh37 (hg19) VCF-style: chr4-5642247-AC-A.
Other names: c.1223del, p.Gly408fs (NM_001166136.2); short protein forms G408fs, G488fs.
Identifiers: ClinVar variation 1724034 (VCV001724034.2), dbSNP rs2475437004, ClinGen allele CA2580070746.
Genomic context (GRCh38, chr4:5,640,520, plus strand): 5'-GACAAATCCCTGAGAGAAAGGGAAGTGAACGCCTTCCTTTCAGACCTGTCTTACCCTCTC[AC>A]CAGCACGTTTCAGCAACTCTTCTGCTTCCTCCATTGCCATCATCTCTCTCTGGTACTGGT-3'

ClinVar aggregate classification (germline): Likely pathogenic (1 of 4 stars; one submission).

Conditions:
Ellis-van Creveld syndrome (EVC). Also called: EVC-Related Ellis-van Creveld Syndrome; EVC2-Related Ellis-van Creveld Syndrome; MESOECTODERMAL DYSPLASIA; Chondroectodermal dysplasia. Identifiers: Orphanet 289, MedGen C0013903, MONDO:0009162, OMIM 225500.

Submission:

Myriad Genetics, Inc.
Classification: Likely pathogenic for Ellis-van Creveld syndrome. Last evaluated: 2022-01-24. Review status: criteria provided, single submitter. Criteria: Myriad Women's Health Autosomal Recessive and X-Linked Classification Criteria (2021). Collection method: clinical testing. Allele origin: unknown.
Comment: NM_147127.4(EVC2):c.1463delG(G488Vfs*6) is expected to be pathogenic in the context of EVC2-related Ellis-van Creveld syndrome. This variant is predicted to lead to an abnormal or absent protein product due to the creation of a premature termination codon in EVC2, a gene where loss-of-function variants are known to be pathogenic. Please note: this variant was assessed in the context of healthy population screening.